The following is an entry in ClinVar:

ClinVar aggregate classification (germline): Uncertain significance (1 of 4 stars; one submission).

Conditions:
Familial episodic pain syndrome with predominantly lower limb involvement. Also called: Episodic pain syndrome, familial, 3. Identifiers: Orphanet 391384, Orphanet 391392, MedGen C3809899, MONDO:0014247, OMIM 615552.
Hereditary sensory and autonomic neuropathy type 7. Also called: HSAN VII; Neuropathy, hereditary sensory and autonomic, type VII. Identifiers: Orphanet 391397, MedGen C3809882, MONDO:0014244, OMIM 615548.

Submission:

Labcorp Genetics (formerly Invitae), Labcorp
Classification: Uncertain significance for Familial episodic pain syndrome with predominantly lower limb involvement; Hereditary sensory and autonomic neuropathy type 7. Last evaluated: 2019-08-21. Review status: criteria provided, single submitter. Criteria: Invitae Variant Classification Sherloc (09022015). Collection method: clinical testing. Allele origin: germline.
Comment: In summary, the available evidence is currently insufficient to determine the role of this variant in disease. Therefore, it has been classified as a Variant of Uncertain Significance. Algorithms developed to predict the effect of missense changes on protein structure and function are either unavailable or do not agree on the potential impact of this missense change (SIFT: "Deleterious"; PolyPhen-2: "Probably Damaging"; Align-GVGD: "Class C15"). This variant has not been reported in the literature in individuals with SCN11A-related conditions. This variant is not present in population databases (ExAC no frequency). This sequence change replaces serine with phenylalanine at codon 348 of the SCN11A protein (p.Ser348Phe). The serine residue is moderately conserved and there is a large physicochemical difference between serine and phenylalanine.

NM_001349253.2(SCN11A):c.1043C>T (p.Ser348Phe)

Gene: SCN11A (sodium voltage-gated channel alpha subunit 11; minus strand). Cytogenetic location: 3p22.2.
Variant type: single nucleotide variant.
Coding change: c.1043C>T on transcript NM_001349253.2 (MANE Select); coding-DNA position 1043, C replaced by T.
Protein change: p.Ser348Phe; replaces serine 348 with phenylalanine.
Molecular consequence: missense variant.
Genome position (GRCh38, 1-based): chr3:38,910,124, G>A on the plus strand (C>T on the coding strand, the complement: SCN11A is on the minus strand). VCF-style: chr3-38910124-G-A. GRCh37 (hg19) VCF-style: chr3-38951615-G-A.
Other names: c.1043C>T, p.Ser348Phe (NM_014139.3); short protein forms S348F.
Identifiers: ClinVar variation 941733 (VCV000941733.6), dbSNP rs2065865419, ClinGen allele CA352168543.
Genomic context (GRCh38, chr3:38,910,124, plus strand): 5'-ACCTGTTGATAAAGCTTCTCCCAGGAATCTTGGGTCATCAGCCGGAACATGGCAAGAAAA[G>A]ACCAGCCAAAGTTGTCAAAATTCGTATAATTATAGTCAGGATTAATTTTGGTGTGCTTAC-3'
Protein context (NP_001336182.1, residues 338-358): NYTNFDNFGW[Ser348Phe]FLAMFRLMTQ